The following is an entry in ClinVar:

NM_002700.3(POU4F3):c.694G>T (p.Glu232Ter)

Genes: RBM27-POU4F3 (RBM27-POU4F3 readthrough; plus strand), POU4F3 (POU class 4 homeobox 3; plus strand). Cytogenetic location: 5q32.
Variant type: single nucleotide variant.
Coding change: c.694G>T on transcript NM_002700.3 (MANE Select); coding-DNA position 694, G replaced by T.
Protein change: p.Glu232Ter; replaces glutamic acid 232 with a stop codon.
Molecular consequence: nonsense.
Genome position (GRCh38, 1-based): chr5:146,340,121, G>T. VCF-style: chr5-146340121-G-T. GRCh37 (hg19) VCF-style: chr5-145719684-G-T.
Other names: NM_002700.2:c.694G>T; short protein forms E232*.
Identifiers: ClinVar variation 1334110 (VCV001334110.2), dbSNP rs2126961780, ClinGen allele CA361621931.

ClinVar aggregate classification (germline): Pathogenic (1 of 4 stars; one submission).

Conditions:
Autosomal dominant nonsyndromic hearing loss 15 (DFNA15). Also called: DEAFNESS, AUTOSOMAL DOMINANT 52; Autosomal dominant nonsyndromic hearing loss 52. Identifiers: Orphanet 90635, MedGen C1865366, MONDO:0011226, OMIM 602459.

Submission:

King Laboratory, University of Washington
Classification: Pathogenic for Autosomal dominant nonsyndromic hearing loss 15. Last evaluated: 2020-08-01. Review status: criteria provided, single submitter. Criteria: Abu Rayyan A et al. (Proc Natl Acad Sci U S A 2020). Collection method: research. Allele origin: germline. Affected: yes.
Comment: The variant is absent from 1300 Palestinian controls and absent from gnomAD v2.1.1.